The following is an entry in ClinVar:

NM_001903.5(CTNNA1):c.406A>T (p.Thr136Ser)

Gene: CTNNA1 (catenin alpha 1; plus strand). Cytogenetic location: 5q31.2.
Variant type: single nucleotide variant.
Coding change: c.406A>T on transcript NM_001903.5 (MANE Select); coding-DNA position 406, A replaced by T.
Protein change: p.Thr136Ser; replaces threonine 136 with serine.
Molecular consequence: missense variant.
Genome position (GRCh38, 1-based): chr5:138,810,142, A>T. VCF-style: chr5-138810142-A-T. GRCh37 (hg19) VCF-style: chr5-138145831-A-T.
Other names: c.406A>T, p.Thr136Ser (NM_001290307.3, NM_001323982.2, NM_001323983.1 and 3 more transcripts); c.97A>T, p.Thr33Ser (NM_001290309.3); c.37A>T, p.Thr13Ser (NM_001290310.3); c.406A>T (NM_001903.4); short protein forms T13S, T33S, T136S.
Identifiers: ClinVar variation 647611 (VCV000647611.16), dbSNP rs922655280, ClinGen allele CA128219058.
Genomic context (GRCh38, chr5:138,810,142, plus strand): 5'-TGCTCTTCTGTGAAGCGAGGCAACATGGTTCGGGCAGCTCGAGCTTTGCTCTCTGCTGTT[A>T]CCCGGTTGCTGATTTTGGCTGACATGGCAGATGTCTACAAATTACTTGTTCAGCTGAAAG-3'
Protein context (NP_001894.2, residues 126-146): RAARALLSAV[Thr136Ser]RLLILADMAD

ClinVar aggregate classification (germline): Uncertain significance. Review status: criteria provided, multiple submitters, no conflicts (2 of 4 stars). 3 submissions from 3 submitters: Uncertain significance (3). Last evaluated 2026-01-13.

Conditions:
Hereditary cancer-predisposing syndrome. Also called: Neoplastic Syndromes, Hereditary; Tumor predisposition; Hereditary neoplastic syndrome; Hereditary Cancer Syndrome. Identifiers: Orphanet 140162, MedGen C0027672, MeSH D009386, MONDO:0015356.
CTNNA1-related disorder. Also called: CTNNA1-related condition.

Allele frequency attached by ClinVar (database versions not stated): gnomAD exomes below 0.00001; gnomAD 0.00001; TOPMed 0.00002.
gnomAD v4.1: 5 of 1,614,006 alleles (0.00031%); highest among the groups gnomAD compares: African/African-American, 0.0067%; no homozygotes.

Submissions (3):

Labcorp Genetics (formerly Invitae), Labcorp
Classification: Uncertain significance. Last evaluated: 2026-01-13. Review status: criteria provided, single submitter. Criteria: Invitae Variant Classification Sherloc (09022015). Collection method: clinical testing. Allele origin: germline.
Comment: This sequence change replaces threonine, which is neutral and polar, with serine, which is neutral and polar, at codon 136 of the CTNNA1 protein (p.Thr136Ser). This variant is not present in population databases (gnomAD no frequency). This missense change has been observed in individual(s) with macular dystrophy (PMID: 37734845). ClinVar contains an entry for this variant (Variation ID: 647611). Invitae Evidence Modeling of protein sequence and biophysical properties (such as structural, functional, and spatial information, amino acid conservation, physicochemical variation, residue mobility, and thermodynamic stability) indicates that this missense variant is not expected to disrupt CTNNA1 protein function with a negative predictive value of 80%. In summary, the available evidence is currently insufficient to determine the role of this variant in disease. Therefore, it has been classified as a Variant of Uncertain Significance.

Ambry Genetics
Classification: Uncertain significance for Hereditary cancer-predisposing syndrome. Last evaluated: 2025-08-03. Review status: criteria provided, single submitter. Criteria: Ambry Variant Classification Scheme 2023. Collection method: clinical testing. Allele origin: germline.
Comment: The p.T136S variant (also known as c.406A>T), located in coding exon 3 of the CTNNA1 gene, results from an A to T substitution at nucleotide position 406. The threonine at codon 136 is replaced by serine, an amino acid with similar properties. This amino acid position is highly conserved in available vertebrate species. In addition, this alteration is predicted to be tolerated by in silico analysis. Based on the available evidence, the clinical significance of this variant remains unclear.

PreventionGenetics, part of Exact Sciences
Classification: Uncertain significance for CTNNA1-related condition. Last evaluated: 2025-03-31. Review status: criteria provided, single submitter. Criteria: ACMG Guidelines, 2015. Collection method: clinical testing. Allele origin: germline.
Comment: The CTNNA1 c.406A>T variant is predicted to result in the amino acid substitution p.Thr136Ser. This variant has been reported in individuals with gastric and/or breast cancer as a variant of uncertain significance (Table S1, Clark et al. 2020. PubMed ID: 32051609). This variant has not been reported in a large population database (gnomad), indicating this variant is rare. This variant has an interpretation of uncertain significance in ClinVar. At this time, the clinical significance of this variant is uncertain due to the absence of conclusive functional and genetic evidence.

Literature cited by the submitters: PubMed 37734845 (cited by Labcorp Genetics (formerly Invitae), Labcorp).